The following is an entry in ClinVar:

NM_001267052.2(UNC45B):c.96C>A (p.Ala32=)

Gene: UNC45B (unc-45 myosin chaperone B; plus strand). Cytogenetic location: 17q12.
Variant type: single nucleotide variant.
Coding change: c.96C>A on transcript NM_001267052.2 (MANE Select); coding-DNA position 96, C replaced by A.
Protein change: p.Ala32=; no amino-acid change (alanine 32 retained).
Molecular consequence: synonymous variant.
Genome position (GRCh38, 1-based): chr17:35,148,359, C>A. VCF-style: chr17-35148359-C-A. GRCh37 (hg19) VCF-style: chr17-33475378-C-A.
Other names: c.96C>A, p.Ala32= (NM_001033576.2, NM_001308281.1, NM_173167.3).
Identifiers: ClinVar variation 3030314 (VCV003030314.3), dbSNP rs200458405, ClinGen allele CA8500658.
Genomic context (GRCh38, chr17:35,148,359, plus strand): 5'-AGGAAACCGGCATTTCCAGCTCCAGGACTACAAGGCCGCCACAAATAGCTACAGCCAGGC[C>A]CTGAAGCTGACCAAGGACAAGGCCCTGCTGGCCACGCTTTATCGGAACCGGGCAGCCTGT-3'
Protein context (NP_001253981.1, residues 22-42): YKAATNSYSQ[Ala32=]LKLTKDKALL

ClinVar aggregate classification (germline): Likely benign. Review status: criteria provided, single submitter (1 of 4 stars). 2 submissions from 2 submitters: Likely benign (1). 1 of the submissions does not count toward it. Last evaluated 2025-03-29.

Conditions:
UNC45B-related disorder. Also called: UNC45B-related condition.

Allele frequency attached by ClinVar (database versions not stated): gnomAD exomes 0.00002; ExAC 0.00004; 1000 Genomes Project 30x 0.00016; 1000 Genomes Project 0.00020; TOPMed 0.00022; gnomAD 0.00027.
gnomAD v4.1: 65 of 1,614,154 alleles (0.004%); highest among the groups gnomAD compares: African/African-American, 0.076%; no homozygotes.

Submissions (2):

Labcorp Genetics (formerly Invitae), Labcorp
Classification: Likely benign. Last evaluated: 2025-03-29. Review status: criteria provided, single submitter. Criteria: Invitae Variant Classification Sherloc (09022015). Collection method: clinical testing. Allele origin: germline.

PreventionGenetics, part of Exact Sciences
Classification: Likely benign for UNC45B-related condition. Last evaluated: 2023-12-22. Review status: no assertion criteria provided. Collection method: clinical testing. Allele origin: germline. Not counted in ClinVar's aggregate classification.
Comment: This variant is classified as likely benign based on ACMG/AMP sequence variant interpretation guidelines (Richards et al. 2015 PMID: 25741868, with internal and published modifications).